The following is an entry in ClinVar:

ClinVar aggregate classification (germline): Uncertain significance (1 of 4 stars; one submission).

gnomAD v4.1: 5 of 1,613,064 alleles (0.00031%); highest among the groups gnomAD compares: African/African-American, 0.0067%; no homozygotes.

Submission:

GeneDx
Classification: Uncertain significance. Last evaluated: 2024-07-30. Review status: criteria provided, single submitter. Criteria: GeneDx Variant Classification Process June 2021. Collection method: clinical testing. Allele origin: germline. Affected: yes.
Comment: Not observed at significant frequency in large population cohorts (gnomAD); In silico analysis supports a deleterious effect on splicing; In silico analysis indicates that this missense variant does not alter protein structure/function; Has not been previously published as pathogenic or benign to our knowledge

NM_005529.7(HSPG2):c.1999G>A (p.Glu667Lys)

Gene: HSPG2 (heparan sulfate proteoglycan 2; minus strand). Cytogenetic location: 1p36.12.
Variant type: single nucleotide variant.
Coding change: c.1999G>A on transcript NM_005529.7 (MANE Select); coding-DNA position 1999, G replaced by A.
Protein change: p.Glu667Lys; replaces glutamic acid 667 with lysine.
Molecular consequence: missense variant.
Genome position (GRCh38, 1-based): chr1:21,880,559, C>T on the plus strand (G>A on the coding strand, the complement: HSPG2 is on the minus strand). VCF-style: chr1-21880559-C-T. GRCh37 (hg19) VCF-style: chr1-22207052-C-T.
Other names: c.2002G>A, p.Glu668Lys (NM_001291860.2); short protein forms E667K, E668K.
Identifiers: ClinVar variation 3602400 (VCV003602400.1).